The following is an entry in ClinVar:

ClinVar aggregate classification (germline): Benign/Likely benign. Review status: criteria provided, multiple submitters, no conflicts (2 of 4 stars). 3 submissions from 3 submitters: Benign (1); Likely benign (2). Last evaluated 2026-07-15.

Conditions:
Hereditary cancer-predisposing syndrome. Also called: Neoplastic Syndromes, Hereditary; Tumor predisposition; Hereditary Cancer Syndrome; Hereditary neoplastic syndrome. Identifiers: Orphanet 140162, MedGen C0027672, MeSH D009386, MONDO:0015356.
Rhabdoid tumor predisposition syndrome 2 (RTPS2). Identifiers: Orphanet 231108, Orphanet 69077, MedGen C2750074, MONDO:0013224, OMIM 613325.

Submissions (3):

Myriad Genetics, Inc.
Classification: Benign for Rhabdoid tumor predisposition syndrome 2. Last evaluated: 2026-07-15. Review status: criteria provided, single submitter. Criteria: Myriad Autosomal Dominant, Autosomal Recessive and X-Linked Classification Criteria (2023). Collection method: clinical testing. Allele origin: unknown.
Comment: This variant is considered benign. This variant is a silent/synonymous amino acid change and it is not expected to impact splicing.

Ambry Genetics
Classification: Likely benign for Hereditary cancer-predisposing syndrome. Last evaluated: 2023-11-09. Review status: criteria provided, single submitter. Criteria: Ambry Variant Classification Scheme 2023. Collection method: clinical testing. Allele origin: germline.

Labcorp Genetics (formerly Invitae), Labcorp
Classification: Likely benign for Rhabdoid tumor predisposition syndrome 2. Last evaluated: 2022-08-08. Review status: criteria provided, single submitter. Criteria: Invitae Variant Classification Sherloc (09022015). Collection method: clinical testing. Allele origin: germline.

NM_003072.5(SMARCA4):c.3888G>A (p.Val1296=)

Gene: SMARCA4 (SWI/SNF related BAF chromatin remodeling complex subunit ATPase 4; plus strand). Cytogenetic location: 19p13.2.
Variant type: single nucleotide variant.
Coding change: c.3888G>A on transcript NM_003072.5 (MANE Select); coding-DNA position 3888, G replaced by A.
Protein change: p.Val1296=; no amino-acid change (valine 1296 retained).
Molecular consequence: synonymous variant. On other transcripts: non-coding transcript variant (1).
Genome position (GRCh38, 1-based): chr19:11,034,137, G>A. VCF-style: chr19-11034137-G-A. GRCh37 (hg19) VCF-style: chr19-11144813-G-A.
Other names: c.3888G>A, p.Val1296= (NM_001128844.3, NM_001128849.3, NM_001387283.1); c.3789G>A, p.Val1263= (NM_001128845.2, NM_001128846.2, NM_001128847.4 and 2 more transcripts); c.3888G>A (NM_001128849.1).
Identifiers: ClinVar variation 1668121 (VCV001668121.10), dbSNP rs2075117210, ClinGen allele CA505493137.